The following is an entry in ClinVar:

NM_005121.3(MED13):c.5168G>A (p.Arg1723Gln)

Gene: MED13 (mediator complex subunit 13; minus strand). Cytogenetic location: 17q23.2.
Variant type: single nucleotide variant.
Coding change: c.5168G>A on transcript NM_005121.3 (MANE Select); coding-DNA position 5168, G replaced by A.
Protein change: p.Arg1723Gln; replaces arginine 1723 with glutamine.
Molecular consequence: missense variant.
Genome position (GRCh38, 1-based): chr17:61,961,676, C>T on the plus strand (G>A on the coding strand, the complement: MED13 is on the minus strand). VCF-style: chr17-61961676-C-T. GRCh37 (hg19) VCF-style: chr17-60039037-C-T.
Other names: short protein forms R1723Q.
Identifiers: ClinVar variation 1708092 (VCV001708092.1), dbSNP rs778049612, ClinGen allele CA8692238.
Genomic context (GRCh38, chr17:61,961,676, plus strand): 5'-GCTAAACCTGGACCAAAGCCAGTCAATGTTTTCACATTGGTTGATGTTGGAAGTGGCCTC[C>T]GACACTGGGTAAAGGCCGAAAAAGCCAGGGATTTTAAATGCTGGGGATAGATTTCTCTAT-3'
Protein context (NP_005112.2, residues 1713-1733): SLAFSAFTQC[Arg1723Gln]RPLPTSTNVK

ClinVar aggregate classification (germline): Uncertain significance (1 of 4 stars; one submission).

Conditions:
Intellectual developmental disorder 61. Also called: INTELLECTUAL DEVELOPMENTAL DISORDER, AUTOSOMAL DOMINANT 61; MENTAL RETARDATION, AUTOSOMAL DOMINANT 61. Identifiers: MedGen C5231400, MONDO:0032485, OMIM 618009.

Allele frequency attached by ClinVar (database versions not stated): gnomAD exomes below 0.00001; ExAC 0.00001; gnomAD 0.00001.
gnomAD v4.1: 5 of 1,613,928 alleles (0.00031%); highest among the groups gnomAD compares: South Asian, 0.0022%; no homozygotes.

Submission:

Laboratory of Medical Genetics, National & Kapodistrian University of Athens
Classification: Uncertain significance for Intellectual developmental disorder 61. Last evaluated: 2022-03-03. Review status: criteria provided, single submitter. Criteria: ACMG Guidelines, 2015. Collection method: clinical testing. Allele origin: maternal. Affected: yes.
Comment: PM2, PP3